The following is an entry in ClinVar:

NM_005515.4(MNX1):c.625C>T (p.Gln209Ter)

Gene: MNX1 (motor neuron and pancreas homeobox 1; minus strand). Cytogenetic location: 7q36.3.
Variant type: single nucleotide variant.
Coding change: c.625C>T on transcript NM_005515.4 (MANE Select); coding-DNA position 625, C replaced by T.
Protein change: p.Gln209Ter; replaces glutamine 209 with a stop codon.
Molecular consequence: nonsense.
Genome position (GRCh38, 1-based): chr7:157,009,726, G>A on the plus strand (C>T on the coding strand, the complement: MNX1 is on the minus strand). VCF-style: chr7-157009726-G-A. GRCh37 (hg19) VCF-style: chr7-156802420-G-A.
Other names: short protein forms Q209*.
Identifiers: ClinVar variation 3773870 (VCV003773870.1).

ClinVar aggregate classification (germline): Likely pathogenic (1 of 4 stars; one submission).

Conditions:
Currarino triad. Identifiers: Orphanet 1552, MedGen C1531773, MONDO:0008305, OMIM 176450.

Submission:

Rady Children's Institute for Genomic Medicine, Rady Children's Hospital San Diego
Classification: Likely pathogenic for CURRARINO SYNDROME. Last evaluated: 2024-02-02. Review status: criteria provided, single submitter. Criteria: ACMG Guidelines, 2015. Collection method: clinical testing. Allele origin: germline. Affected: yes.
Comment: This nonsense variant found in exon 1 of 3 is predicted to result in loss of normal protein function through either protein truncation or nonsense-mediated mRNA decay. Loss-of-function variation in MNX1 is an established mechanism of disease (PMID: 9843207, 10749657, 18449898, 29401559, 33836786). This variant has been previously reported as a heterozygous change in a patient with Currarino syndrome (PMID: 18449898). The c.625C>T (p.Gln209Ter) variant is present in the heterozygous state in the gnomAD v4 population database at a frequency of 0.0006% (1/152178) and thus is presumed to be rare. Based on the available evidence, c.625C>T (p.Gln209Ter) is classified as Likely Pathogenic.